The following is an entry in ClinVar:

NM_005802.5(TOPORS):c.2688C>G (p.His896Gln)

Gene: TOPORS (TOP1 binding arginine/serine rich protein, E3 ubiquitin ligase; minus strand). Cytogenetic location: 9p21.1.
Variant type: single nucleotide variant.
Coding change: c.2688C>G on transcript NM_005802.5 (MANE Select); coding-DNA position 2688, C replaced by G.
Protein change: p.His896Gln; replaces histidine 896 with glutamine.
Molecular consequence: missense variant.
Genome position (GRCh38, 1-based): chr9:32,541,837, G>C on the plus strand (C>G on the coding strand, the complement: TOPORS is on the minus strand). VCF-style: chr9-32541837-G-C. GRCh37 (hg19) VCF-style: chr9-32541835-G-C.
Other names: c.2493C>G, p.His831Gln (NM_001195622.2); short protein forms H831Q, H896Q.
Identifiers: ClinVar variation 857228 (VCV000857228.10), dbSNP rs1193716746, ClinGen allele CA373161947.
Genomic context (GRCh38, chr9:32,541,837, plus strand): 5'-CTTATCACTGTCACTGTCAATGGTAATTACAACTGGGGAACGTGAAGCATTATCTCCATG[G>C]TGTTTCTTATGCTTCTTCTTATGTTTCTTCTTTTTCTTTTTATGGTGTTTAGTTGTATCA-3'
Protein context (NP_005793.2, residues 886-906): KKKHKKKHKK[His896Gln]HGDNASRSPV

ClinVar aggregate classification (germline): Uncertain significance. Review status: criteria provided, multiple submitters, no conflicts (2 of 4 stars). 2 submissions from 2 submitters: Uncertain significance (2). Last evaluated 2021-04-13.

Allele frequency attached by ClinVar (database versions not stated): gnomAD exomes below 0.00001.
gnomAD v4.1: 3 of 1,614,108 alleles (0.00019%); highest among the groups gnomAD compares: Non-Finnish European, 0.00025%; no homozygotes.

Submissions (2):

Blueprint Genetics
Classification: Uncertain significance. Last evaluated: 2021-04-13. Review status: criteria provided, single submitter. Criteria: ACMG Guidelines, 2015. Collection method: clinical testing. Allele origin: germline.

Labcorp Genetics (formerly Invitae), Labcorp
Classification: Uncertain significance. Last evaluated: 2019-11-26. Review status: criteria provided, single submitter. Criteria: Invitae Variant Classification Sherloc (09022015). Collection method: clinical testing. Allele origin: germline.
Comment: In summary, the available evidence is currently insufficient to determine the role of this variant in disease. Therefore, it has been classified as a Variant of Uncertain Significance. Algorithms developed to predict the effect of missense changes on protein structure and function are either unavailable or do not agree on the potential impact of this missense change (SIFT: "Tolerated"; PolyPhen-2: "Not Available"; Align-GVGD: "Class C0"). This variant has not been reported in the literature in individuals with TOPORS-related conditions. This variant is not present in population databases (ExAC no frequency). This sequence change replaces histidine with glutamine at codon 896 of the TOPORS protein (p.His896Gln). The histidine residue is moderately conserved and there is a small physicochemical difference between histidine and glutamine.